The following is an entry in ClinVar:

NM_017871.6(INTS11):c.510_511insAA (p.Glu171fs)

Gene: INTS11 (integrator complex subunit 11; minus strand). Cytogenetic location: 1p36.33.
Variant type: Insertion.
Coding change: c.510_511insAA on transcript NM_017871.6 (MANE Select); coding-DNA positions 510 to 511, AA inserted.
Protein change: p.Glu171fs; shifts the reading frame from glutamic acid 171.
Molecular consequence: frameshift variant.
Genome position: GRCh38 VCF-style: chr1-1315537-C-CTT. GRCh37 (hg19) VCF-style: chr1-1250917-C-CTT.
Other names: c.528_529insAA, p.Glu177fs (NM_001256456.2); c.423_424insAA, p.Glu142fs (NM_001256460.2); c.216_217insAA, p.Glu73fs (NM_001256462.2); c.207_208insAA, p.Glu70fs (NM_001256463.2); short protein forms E142fs, E171fs, E177fs, E70fs, E73fs.
Identifiers: ClinVar variation 4845903 (VCV004845903.1).
Genomic context (GRCh38, chr1:1,315,537, plus strand): 5'-CCACCCCAGCAGCCCCTCCCAAGCCTCAAGCCCTTCCACTGACCGTGTAGACCACAGACT[C>CTT]TGAGCCCACTTTAATCTGGAACATGGCTGCCCCCAGCACGTGGCCTGCATAGTAGGCCTT-3'

ClinVar aggregate classification (germline): Likely pathogenic (1 of 4 stars; one submission).

Conditions:
Neurodevelopmental disorder with motor and language delay, ocular defects, and brain abnormalities (NEDMLOB). Identifiers: MedGen C5830596, MONDO:0957386, OMIM 620428.

Submission:

First Genomix Gene Laboratory, Genetic Diagnostics Department
Classification: Likely pathogenic for Neurodevelopmental disorder with motor and language delay, ocular defects, and brain abnormalities. Last evaluated: 2025-05-08. Review status: criteria provided, single submitter. Criteria: ACMG Guidelines, 2015. Collection method: clinical testing. Allele origin: germline. Inheritance: Autosomal recessive inheritance. Affected: no. Observed: 1 variant allele.